The following is an entry in ClinVar:

NM_000321.3(RB1):c.1816T>C (p.Tyr606His)

Gene: RB1 (RB transcriptional corepressor 1; plus strand). Cytogenetic location: 13q14.2.
Variant type: single nucleotide variant.
Coding change: c.1816T>C on transcript NM_000321.3 (MANE Select); coding-DNA position 1816, T replaced by C.
Protein change: p.Tyr606His; replaces tyrosine 606 with histidine.
Molecular consequence: missense variant.
Genome position (GRCh38, 1-based): chr13:48,456,205, T>C. VCF-style: chr13-48456205-T-C. GRCh37 (hg19) VCF-style: chr13-49030341-T-C.
Other names: c.1816T>C, p.Tyr606His (NM_001407165.1); short protein forms Y606H.
Identifiers: ClinVar variation 3787286 (VCV003787286.2).

ClinVar aggregate classification (germline): Uncertain significance. Review status: criteria provided, multiple submitters, no conflicts (2 of 4 stars). 2 submissions from 2 submitters: Uncertain significance (2). Last evaluated 2025-07-30.

Conditions:
Hereditary cancer-predisposing syndrome. Also called: Neoplastic Syndromes, Hereditary; Hereditary Cancer Syndrome; Tumor predisposition; Hereditary neoplastic syndrome. Identifiers: Orphanet 140162, MedGen C0027672, MeSH D009386, MONDO:0015356.
Retinoblastoma (RB1). Also called: RETINOBLASTOMA, SOMATIC. Identifiers: Orphanet 790, MedGen C0035335, MeSH D012175, MONDO:0008380, OMIM 180200, HP:0009919. Disease mechanism: loss of function. Inheritance: Both sporadic and heritable forms are tested..

gnomAD v4.1: 1 of 1,614,102 alleles (0.000062%); no homozygotes.

Submissions (2):

Labcorp Genetics (formerly Invitae), Labcorp
Classification: Uncertain significance for Retinoblastoma. Last evaluated: 2025-07-30. Review status: criteria provided, single submitter. Criteria: Invitae Variant Classification Sherloc (09022015). Collection method: clinical testing. Allele origin: germline.
Comment: This sequence change replaces tyrosine, which is neutral and polar, with histidine, which is basic and polar, at codon 606 of the RB1 protein (p.Tyr606His). This variant is not present in population databases (gnomAD no frequency). This variant has not been reported in the literature in individuals affected with RB1-related conditions. ClinVar contains an entry for this variant (Variation ID: 3787286). An algorithm developed to predict the effect of missense changes on protein structure and function (PolyPhen-2) suggests that this variant is likely to be disruptive. In summary, the available evidence is currently insufficient to determine the role of this variant in disease. Therefore, it has been classified as a Variant of Uncertain Significance.

Ambry Genetics
Classification: Uncertain significance for Hereditary cancer-predisposing syndrome. Last evaluated: 2025-02-08. Review status: criteria provided, single submitter. Criteria: Ambry Variant Classification Scheme 2023. Collection method: clinical testing. Allele origin: germline.
Comment: The p.Y606H variant (also known as c.1816T>C), located in coding exon 19 of the RB1 gene, results from a T to C substitution at nucleotide position 1816. The tyrosine at codon 606 is replaced by histidine, an amino acid with similar properties. This amino acid position is conserved. In addition, this alteration is predicted to be deleterious by in silico analysis. Based on the available evidence, the clinical significance of this variant remains unclear.